The following is an entry in ClinVar:

ClinVar aggregate classification (germline): Pathogenic (1 of 4 stars; one submission).

Submission:

CeGaT Center for Human Genetics Tuebingen
Classification: Pathogenic. Last evaluated: 2022-12-01. Review status: criteria provided, single submitter. Criteria: CeGaT Center For Human Genetics Tuebingen Variant Classification Criteria Version 2. Collection method: clinical testing. Allele origin: germline. Affected: yes. Observed: 1 variant allele.
Comment: SLC2A1: PVS1, PM2

NM_006516.4(SLC2A1):c.1104_1105dup (p.Ile369fs)

Gene: SLC2A1 (solute carrier family 2 member 1; minus strand). Cytogenetic location: 1p34.2.
Variant type: Duplication.
Coding change: c.1104_1105dup on transcript NM_006516.4 (MANE Select); coding-DNA positions 1104 to 1105, 2 bases duplicated (CA; older notation c.1104_1105dupCA).
Protein change: p.Ile369fs; shifts the reading frame from isoleucine 369.
Molecular consequence: frameshift variant.
Genome position (GRCh38, 1-based): chr1:42,927,778-42,927,779, TG duplicated on the plus strand (CA on the coding strand, the reverse complement: SLC2A1 is on the minus strand). VCF-style (leftmost placement, unchanged base first): chr1-42927777-A-ATG. GRCh37 (hg19) VCF-style: chr1-43393448-A-ATG.
Other names: short protein forms I369fs.
Identifiers: ClinVar variation 1879085 (VCV001879085.29), dbSNP rs2524984942, ClinGen allele CA2580062816.